The following is an entry in ClinVar:

NM_024675.4(PALB2):c.459G>A (p.Arg153=)

Gene: PALB2 (partner and localizer of BRCA2; minus strand). Cytogenetic location: 16p12.2.
Variant type: single nucleotide variant.
Coding change: c.459G>A on transcript NM_024675.4 (MANE Select); coding-DNA position 459, G replaced by A.
Protein change: p.Arg153=; no amino-acid change (arginine 153 retained).
Molecular consequence: synonymous variant.
Genome position (GRCh38, 1-based): chr16:23,636,087, C>T on the plus strand (G>A on the coding strand, the complement: PALB2 is on the minus strand). VCF-style: chr16-23636087-C-T. GRCh37 (hg19) VCF-style: chr16-23647408-C-T.
Identifiers: ClinVar variation 230558 (VCV000230558.11), dbSNP rs876658633, ClinGen allele CA10580043.

ClinVar aggregate classification (germline): Likely benign. Review status: criteria provided, multiple submitters, no conflicts (2 of 4 stars). 5 submissions from 5 submitters: Likely benign (4). 1 of the submissions does not count toward it. Last evaluated 2025-04-30.

Conditions:
Familial cancer of breast. Also called: BREAST CANCER, FAMILIAL; hereditary breast carcinoma; Hereditary breast cancer. Identifiers: Orphanet 227535, MedGen C0346153, MONDO:0016419, OMIM 114480. Disease mechanism: loss of function.
Hereditary cancer-predisposing syndrome. Also called: Neoplastic Syndromes, Hereditary; Tumor predisposition; Hereditary Cancer Syndrome; Hereditary neoplastic syndrome. Identifiers: Orphanet 140162, MedGen C0027672, MeSH D009386, MONDO:0015356.

Allele frequency attached by ClinVar (database versions not stated): gnomAD exomes 0.00001.
gnomAD v4.1: 3 of 1,613,944 alleles (0.00019%); highest among the groups gnomAD compares: East Asian, 0.0067%; no homozygotes.

Submissions (5):

Labcorp Genetics (formerly Invitae), Labcorp
Classification: Likely benign for Familial cancer of breast. Last evaluated: 2025-04-30. Review status: criteria provided, single submitter. Criteria: Invitae Variant Classification Sherloc (09022015). Collection method: clinical testing. Allele origin: germline.

Color Diagnostics, LLC DBA Color Health
Classification: Likely benign for Hereditary cancer-predisposing syndrome. Last evaluated: 2019-02-06. Review status: criteria provided, single submitter. Criteria: ACMG Guidelines, 2015. Collection method: clinical testing. Allele origin: germline.

GeneDx
Classification: Likely benign. Last evaluated: 2017-11-06. Review status: criteria provided, single submitter. Criteria: GeneDx Variant Classification (06012015). Collection method: clinical testing. Allele origin: germline. Affected: yes.
Comment: This variant is considered likely benign or benign based on one or more of the following criteria: it is a conservative change, it occurs at a poorly conserved position in the protein, it is predicted to be benign by multiple in silico algorithms, and/or has population frequency not consistent with disease.

Ambry Genetics
Classification: Likely benign for Hereditary cancer-predisposing syndrome. Last evaluated: 2015-03-02. Review status: criteria provided, single submitter. Criteria: Ambry Variant Classification Scheme 2023. Collection method: clinical testing. Allele origin: germline.

Leiden Open Variation Database
Classification: Benign. Last evaluated: 2018-10-10. Review status: no assertion criteria provided. Collection method: curation. Allele origin: germline. Affected: yes. Not counted in ClinVar's aggregate classification.
Comment: Curators: Marc Tischkowitz, Arleen D. Auerbach. Submitter to LOVD: Yukihide Momozawa.

Literature cited by the submitters: PubMed 30287823 (cited by Leiden Open Variation Database).